The following is an entry in ClinVar:

ClinVar aggregate classification (germline): Conflicting classifications of pathogenicity. Review status: criteria provided, conflicting classifications (1 of 4 stars). 5 submissions from 5 submitters: Uncertain significance (1); Likely benign (3). 1 of the submissions does not count toward it. Last evaluated 2026-08-01.

Conditions:
Global developmental delay (DD). Also called: Cognitive delay. Identifiers: MedGen C0557874, HP:0001263. Disease mechanism: loss of function.
Cornelia de Lange syndrome 1 (CDLS1). Also called: Brachmann de Lange syndrome; NIPBL-Related Cornelia de Lange Syndrome; TYPUS DEGENERATIVUS AMSTELODAMENSIS. Identifiers: Orphanet 199, MedGen C4551851, MONDO:0007387, OMIM 122470.
Inborn genetic diseases. Identifiers: MedGen C0950123, MeSH D030342.

Allele frequency attached by ClinVar (database versions not stated): ExAC 0.00002; gnomAD exomes 0.00003; gnomAD 0.00006 and 0.00007; TOPMed 0.00006.
gnomAD v4.1: 50 of 1,613,870 alleles (0.0031%); highest among the groups gnomAD compares: Admixed American, 0.025%; no homozygotes.

Submissions (5):

CeGaT Center for Human Genetics Tuebingen
Classification: Likely benign. Last evaluated: 2026-08-01. Review status: criteria provided, single submitter. Criteria: CeGaT Center For Human Genetics Tuebingen Variant Classification Criteria Version 2. Collection method: clinical testing. Allele origin: germline. Affected: yes. Observed: 1 variant allele.
Comment: NIPBL: BP4, BS2

Labcorp Genetics (formerly Invitae), Labcorp
Classification: Likely benign for Cornelia de Lange syndrome 1. Last evaluated: 2025-08-18. Review status: criteria provided, single submitter. Criteria: Invitae Variant Classification Sherloc (09022015). Collection method: clinical testing. Allele origin: germline.

Blueprint Genetics
Classification: Likely benign. Last evaluated: 2022-01-27. Review status: criteria provided, single submitter. Criteria: ACMG Guidelines, 2015. Collection method: clinical testing. Allele origin: germline.

Ambry Genetics
Classification: Uncertain significance for Inborn genetic diseases. Last evaluated: 2018-01-10. Review status: criteria provided, single submitter. Criteria: Ambry Variant Classification Scheme 2023. Collection method: clinical testing. Allele origin: germline.
Comment: The c.6954+3A>G intronic variant results from an A to G substitution 3 nucleotides after coding exon 39 in the NIPBL gene. Based on data from gnomAD, the G allele has an overall frequency of approximately 0.003% (9/276970). This nucleotide position is well conserved in available vertebrate species; however, guanine is the reference amino acid in other vertebrate species. Using the BDGP and ESEfinder splice site prediction tools, this alteration is not predicted to have any significant effect on this splice acceptor/donor site; however, direct evidence is unavailable. Since supporting evidence is limited at this time, the clinical significance of this alteration remains unclear.

Centre de Biologie Pathologie Génétique, Centre Hospitalier Universitaire de Lille
Classification: Uncertain significance for Global developmental delay. Last evaluated: 2020-01-01. Review status: no assertion criteria provided. Collection method: clinical testing. Allele origin: germline. Affected: yes. Not counted in ClinVar's aggregate classification.

NM_133433.4(NIPBL):c.6954+3A>G

Gene: NIPBL (NIPBL cohesin loading factor; plus strand). Cytogenetic location: 5p13.2.
Variant type: single nucleotide variant.
Coding change: c.6954+3A>G on transcript NM_133433.4 (MANE Select); 3 bases into the intron after coding-DNA position 6954, A replaced by G.
Molecular consequence: intron variant.
Genome position (GRCh38, 1-based): chr5:37,049,304, A>G. VCF-style: chr5-37049304-A-G. GRCh37 (hg19) VCF-style: chr5-37049406-A-G.
Other names: c.6954+3A>G (NM_015384.5).
Identifiers: ClinVar variation 1174074 (VCV001174074.11), dbSNP rs769439754, ClinGen allele CA3237083.
Genomic context (GRCh38, chr5:37,049,304, plus strand): 5'-CTTTGCCCTAAATGTCATTGCATTGACTCTAAATCAAGGTCTTATTCATCCAGTTCAGGT[A>G]AGCATGTTTTATGGCAGCAGCACTTACTAAAAGAGCAAGATTAGTTGTAATTTGATACAT-3'